The following is an entry in ClinVar:

ClinVar aggregate classification (germline): Pathogenic (1 of 4 stars; one submission).

Submission:

Labcorp Genetics (formerly Invitae), Labcorp
Classification: Pathogenic. Last evaluated: 2022-09-09. Review status: criteria provided, single submitter. Criteria: Invitae Variant Classification Sherloc (09022015). Collection method: clinical testing. Allele origin: germline.
Comment: For these reasons, this variant has been classified as Pathogenic. This variant has not been reported in the literature in individuals affected with VPS13A-related conditions. This variant is not present in population databases (gnomAD no frequency). This sequence change creates a premature translational stop signal (p.Lys1809Glnfs*32) in the VPS13A gene. It is expected to result in an absent or disrupted protein product. Loss-of-function variants in VPS13A are known to be pathogenic (PMID: 12404112, 21598378).

Literature cited by the submitters: PubMed 12404112; PubMed 21598378.

NM_033305.3(VPS13A):c.5425_5428del (p.Lys1809fs)

Gene: VPS13A (vacuolar protein sorting 13 homolog A; plus strand). Cytogenetic location: 9q21.2.
Variant type: Microsatellite.
Coding change: c.5425_5428del on transcript NM_033305.3 (MANE Select); coding-DNA positions 5425 to 5428, 4 bases deleted (AAAG; older notation c.5425_5428delAAAG).
Protein change: p.Lys1809fs; shifts the reading frame from lysine 1809.
Molecular consequence: frameshift variant.
Genome position (GRCh38, 1-based): chr9:77,321,178-77,321,181, AAAG deleted; deleting any 4 consecutive bases within chr9:77,321,174-77,321,181 gives the same sequence; the c. name uses the placement nearest the transcript's 3' end. VCF-style (leftmost placement, unchanged base first): chr9-77321173-AAAAG-A. GRCh37 (hg19) VCF-style: chr9-79936089-AAAAG-A.
Other names: c.5308_5311del, p.Lys1770fs (NM_001018037.2); c.5425_5428del, p.Lys1809fs (NM_001018038.3, NM_015186.4); short protein forms K1770fs, K1809fs.
Identifiers: ClinVar variation 2029648 (VCV002029648.4), dbSNP rs2538007167, ClinGen allele CA2580616214.